The following is an entry in ClinVar:

ClinVar aggregate classification (germline): Uncertain significance (1 of 4 stars; one submission).

Conditions:
BBS4-related disorder. Also called: BBS4-related condition.

Submission:

PreventionGenetics, part of Exact Sciences
Classification: Uncertain significance for BBS4-related condition. Last evaluated: 2024-12-22. Review status: criteria provided, single submitter. Criteria: ACMG Guidelines, 2015. Collection method: clinical testing. Allele origin: germline.
Comment: The BBS4 c.218A>C variant is predicted to result in the amino acid substitution p.Gln73Pro. To our knowledge, this variant has not been reported in the literature or in a large population database (gnomAD), indicating this variant is rare. At this time, the clinical significance of this variant is uncertain due to the absence of conclusive functional and genetic evidence.

NM_033028.5(BBS4):c.218A>C (p.Gln73Pro)

Gene: BBS4 (Bardet-Biedl syndrome 4; plus strand). Cytogenetic location: 15q24.1.
Variant type: single nucleotide variant.
Coding change: c.218A>C on transcript NM_033028.5 (MANE Select); coding-DNA position 218, A replaced by C.
Protein change: p.Gln73Pro; replaces glutamine 73 with proline.
Molecular consequence: missense variant. On other transcripts: 5 prime UTR variant (1), non-coding transcript variant (2).
Genome position (GRCh38, 1-based): chr15:72,712,305, A>C. VCF-style: chr15-72712305-A-C. GRCh37 (hg19) VCF-style: chr15-73004646-A-C.
Other names: c.-304A>C (NM_001252678.2); c.218A>C, p.Gln73Pro (NM_001320665.2); short protein forms Q73P.
Identifiers: ClinVar variation 4996739 (VCV004996739.1).